The following is an entry in ClinVar:

NM_002691.4(POLD1):c.72T>A (p.Asp24Glu)

Gene: POLD1 (DNA polymerase delta 1, catalytic subunit; plus strand). Cytogenetic location: 19q13.33.
Variant type: single nucleotide variant.
Coding change: c.72T>A on transcript NM_002691.4 (MANE Select); coding-DNA position 72, T replaced by A.
Protein change: p.Asp24Glu; replaces aspartic acid 24 with glutamic acid.
Molecular consequence: missense variant. On other transcripts: non-coding transcript variant (1).
Genome position (GRCh38, 1-based): chr19:50,398,923, T>A. VCF-style: chr19-50398923-T-A. GRCh37 (hg19) VCF-style: chr19-50902180-T-A.
Other names: c.72T>A, p.Asp24Glu (NM_001256849.1, NM_001308632.1); short protein forms D24E.
Identifiers: ClinVar variation 3308308 (VCV003308308.1).

ClinVar aggregate classification (germline): Uncertain significance (1 of 4 stars; one submission).

Conditions:
Hereditary cancer-predisposing syndrome. Also called: Tumor predisposition; Hereditary Cancer Syndrome; Hereditary neoplastic syndrome; Neoplastic Syndromes, Hereditary. Identifiers: Orphanet 140162, MedGen C0027672, MeSH D009386, MONDO:0015356.

Submission:

Ambry Genetics
Classification: Uncertain significance for Hereditary cancer-predisposing syndrome. Last evaluated: 2024-06-14. Review status: criteria provided, single submitter. Criteria: Ambry Variant Classification Scheme 2023. Collection method: clinical testing. Allele origin: germline.
Comment: The p.D24E variant (also known as c.72T>A), located in coding exon 1 of the POLD1 gene, results from a T to A substitution at nucleotide position 72. The aspartic acid at codon 24 is replaced by glutamic acid, an amino acid with highly similar properties. This amino acid position is conserved. In addition, this alteration is predicted to be tolerated by in silico analysis. Based on the available evidence, the clinical significance of this variant remains unclear.